The following is an entry in ClinVar:

NM_025137.4(SPG11):c.2129T>C (p.Ile710Thr)

Gene: SPG11 (SPG11 vesicle trafficking associated, spatacsin; minus strand). Cytogenetic location: 15q21.1.
Variant type: single nucleotide variant.
Coding change: c.2129T>C on transcript NM_025137.4 (MANE Select); coding-DNA position 2129, T replaced by C.
Protein change: p.Ile710Thr; replaces isoleucine 710 with threonine.
Molecular consequence: missense variant.
Genome position (GRCh38, 1-based): chr15:44,626,446, A>G on the plus strand (T>C on the coding strand, the complement: SPG11 is on the minus strand). VCF-style: chr15-44626446-A-G. GRCh37 (hg19) VCF-style: chr15-44918644-A-G.
Other names: c.2129T>C, p.Ile710Thr (NM_001160227.2); short protein forms I710T.
Identifiers: ClinVar variation 845109 (VCV000845109.7), dbSNP rs368686728, ClinGen allele CA7535339.
Genomic context (GRCh38, chr15:44,626,446, plus strand): 5'-AAGACCAAATTTAGGCCTATGCCAATAAGCTCCTCAAGTTTTTGAGCAGAATGACTATCA[A>G]TCCTGAAGAAAGTCTGTGCCTCTGGTATTTTGTTGTTTAAAATGGCGCTGGCAATAACTT-3'
Protein context (NP_079413.3, residues 700-720): KIPEAQTFFR[Ile710Thr]DSHSAQKLEE

ClinVar aggregate classification (germline): Uncertain significance (1 of 4 stars; one submission).

Conditions:
Hereditary spastic paraplegia 11. Also called: Spastic paraplegia, mental retardation and thin corpus callosum; Nakamura Osame syndrome; Autosomal recessive hereditary spastic paraplegia, mental impairment, and thin corpus callosum; SPASTIC PARAPLEGIA, AUTOSOMAL RECESSIVE, COMPLICATED, WITH THIN CORPUS CALLOSUM; SPASTIC PARAPLEGIA, AUTOSOMAL RECESSIVE, WITH MENTAL IMPAIRMENT AND THIN CORPUS CALLOSUM; Spastic Paraplegia 11. Identifiers: Orphanet 2822, MedGen C1858479, MONDO:0011445, OMIM 604360.

Allele frequency attached by ClinVar (database versions not stated): gnomAD 0.00001; TOPMed 0.00001; ExAC 0.00002; gnomAD exomes 0.00002; ESP Exome Variant Server 0.00008.
gnomAD v4.1: 6 of 1,613,906 alleles (0.00037%); highest among the groups gnomAD compares: African/African-American, 0.0027%; no homozygotes.

Submission:

Labcorp Genetics (formerly Invitae), Labcorp
Classification: Uncertain significance for Hereditary spastic paraplegia 11. Last evaluated: 2021-08-24. Review status: criteria provided, single submitter. Criteria: Invitae Variant Classification Sherloc (09022015). Collection method: clinical testing. Allele origin: germline.
Comment: This sequence change replaces isoleucine with threonine at codon 710 of the SPG11 protein (p.Ile710Thr). The isoleucine residue is moderately conserved and there is a moderate physicochemical difference between isoleucine and threonine. This variant is present in population databases (rs368686728, ExAC 0.01%). This variant has not been reported in the literature in individuals affected with SPG11-related conditions. Algorithms developed to predict the effect of missense changes on protein structure and function output the following: SIFT: "Tolerated"; PolyPhen-2: "Benign"; Align-GVGD: "Class C0". The threonine amino acid residue is found in multiple mammalian species, which suggests that this missense change does not adversely affect protein function. In summary, the available evidence is currently insufficient to determine the role of this variant in disease. Therefore, it has been classified as a Variant of Uncertain Significance.